The following is an entry in ClinVar:

ClinVar aggregate classification (germline): Uncertain significance (1 of 4 stars; one submission).

Conditions:
Fanconi anemia (FA). Also called: Fanconi's anemia. Identifiers: Orphanet 84, MedGen C0015625, MeSH D005199, MONDO:0019391.

gnomAD v4.1: 13 of 1,613,628 alleles (0.00081%); highest among the groups gnomAD compares: East Asian, 0.027%; no homozygotes.

Submission:

Labcorp Genetics (formerly Invitae), Labcorp
Classification: Uncertain significance for Fanconi anemia. Last evaluated: 2021-08-19. Review status: criteria provided, single submitter. Criteria: Invitae Variant Classification Sherloc (09022015). Collection method: clinical testing. Allele origin: germline.
Comment: This sequence change falls in intron 4 of the FANCG gene. It does not directly change the encoded amino acid sequence of the FANCG protein. It affects a nucleotide within the consensus splice site of the intron. This variant is not present in population databases (ExAC no frequency). This variant has not been reported in the literature in individuals affected with FANCG-related conditions. Variants that disrupt the consensus splice site are a relatively common cause of aberrant splicing (PMID: 17576681, 9536098). Algorithms developed to predict the effect of sequence changes on RNA splicing suggest that this variant is not likely to affect RNA splicing. In summary, the available evidence is currently insufficient to determine the role of this variant in disease. Therefore, it has been classified as a Variant of Uncertain Significance.

Literature cited by the submitters: PubMed 17576681; PubMed 9536098.

NM_004629.2(FANCG):c.510+5T>C

Gene: FANCG (FA complementation group G; minus strand). Cytogenetic location: 9p13.3.
Variant type: single nucleotide variant.
Coding change: c.510+5T>C on transcript NM_004629.2 (MANE Select); 5 bases into the intron after coding-DNA position 510, T replaced by C.
Molecular consequence: intron variant.
Genome position (GRCh38, 1-based): chr9:35,078,136, A>G on the plus strand (T>C on the coding strand, the complement: FANCG is on the minus strand). VCF-style: chr9-35078136-A-G. GRCh37 (hg19) VCF-style: chr9-35078133-A-G.
Identifiers: ClinVar variation 1494818 (VCV001494818.4), dbSNP rs921564097, ClinGen allele CA192695978.
Genomic context (GRCh38, chr9:35,078,136, plus strand): 5'-AGCTGGAGAGAAAGGAGGAGGAAGGAAGGAGGAGACCCTCAGCTTCAGGTCACTTTCCCT[A>G]TTACCTGGCTGCCATTCAGGGTCTCTAGTAACAAGGCCAGGTCCCCAAGACGGTCAGCAC-3'